The following is an entry in ClinVar:

NM_000019.4(ACAT1):c.31G>A (p.Gly11Ser)

Gene: ACAT1 (acetyl-CoA acetyltransferase 1; plus strand). Cytogenetic location: 11q22.3.
Variant type: single nucleotide variant.
Coding change: c.31G>A on transcript NM_000019.4 (MANE Select); coding-DNA position 31, G replaced by A.
Protein change: p.Gly11Ser; replaces glycine 11 with serine.
Molecular consequence: missense variant. On other transcripts: 5 prime UTR variant (3), non-coding transcript variant (2), intron variant (2).
Genome position (GRCh38, 1-based): chr11:108,121,637, G>A. VCF-style: chr11-108121637-G-A. GRCh37 (hg19) VCF-style: chr11-107992364-G-A.
Other names: c.31G>A, p.Gly11Ser (NM_001386677.1, NM_001386678.1); c.-247G>A (NM_001386679.1); c.-334G>A (NM_001386685.1); c.-339G>A (NM_001386686.1); c.-416+4735G>A (NM_001386682.1); c.-199+4735G>A (NM_001386681.1); short protein forms G11S.
Identifiers: ClinVar variation 2146514 (VCV002146514.4), dbSNP rs928949283, ClinGen allele CA228390227.

ClinVar aggregate classification (germline): Uncertain significance (1 of 4 stars; one submission).

Conditions:
Deficiency of acetyl-CoA acetyltransferase. Also called: Beta-ketothiolase deficiency; 3-KETOTHIOLASE DEFICIENCY; 3-OXOTHIOLASE DEFICIENCY; MITOCHONDRIAL ACETOACETYL-CoA THIOLASE DEFICIENCY. Identifiers: Orphanet 134, MedGen C1536500, MONDO:0008760, OMIM 203750. Disease mechanism: loss of function.

gnomAD v4.1: 2 of 1,550,632 alleles (0.00013%); highest among the groups gnomAD compares: South Asian, 0.0012%; no homozygotes.

Submission:

Labcorp Genetics (formerly Invitae), Labcorp
Classification: Uncertain significance for Deficiency of acetyl-CoA acetyltransferase. Last evaluated: 2022-08-23. Review status: criteria provided, single submitter. Criteria: Invitae Variant Classification Sherloc (09022015). Collection method: clinical testing. Allele origin: germline.
Comment: This sequence change replaces glycine, which is neutral and non-polar, with serine, which is neutral and polar, at codon 11 of the ACAT1 protein (p.Gly11Ser). The frequency data for this variant in the population databases is considered unreliable, as metrics indicate poor data quality at this position in the gnomAD database. In summary, the available evidence is currently insufficient to determine the role of this variant in disease. Therefore, it has been classified as a Variant of Uncertain Significance. Advanced modeling of protein sequence and biophysical properties (such as structural, functional, and spatial information, amino acid conservation, physicochemical variation, residue mobility, and thermodynamic stability) performed at Invitae indicates that this missense variant is not expected to disrupt ACAT1 protein function. This variant has not been reported in the literature in individuals affected with ACAT1-related conditions.